The following is an entry in ClinVar:

ClinVar aggregate classification (germline): Uncertain significance. Review status: criteria provided, multiple submitters, no conflicts (2 of 4 stars). 2 submissions from 2 submitters: Uncertain significance (2). Last evaluated 2024-11-30.

Conditions:
Inborn genetic diseases. Identifiers: MedGen C0950123, MeSH D030342.
Charcot-Marie-Tooth disease axonal type 2O. Also called: CHARCOT-MARIE-TOOTH NEUROPATHY, AXONAL, TYPE 2O; CHARCOT-MARIE-TOOTH DISEASE, AXONAL, AUTOSOMAL DOMINANT, TYPE 2O; Charcot-Marie-Tooth disease, axonal, type 20; Charcot-Marie-Tooth Neuropathy Type 2O. Identifiers: Orphanet 284232, MedGen C3280220, MONDO:0013644, OMIM 614228.

Allele frequency attached by ClinVar (database versions not stated): gnomAD exomes below 0.00001; ExAC 0.00001.
gnomAD v4.1: 3 of 1,614,186 alleles (0.00019%); highest among the groups gnomAD compares: Non-Finnish European, 0.00025%; no homozygotes.

Submissions (2):

Labcorp Genetics (formerly Invitae), Labcorp
Classification: Uncertain significance for Charcot-Marie-Tooth disease axonal type 2O. Last evaluated: 2024-11-30. Review status: criteria provided, single submitter. Criteria: Invitae Variant Classification Sherloc (09022015). Collection method: clinical testing. Allele origin: germline.
Comment: This sequence change falls in intron 32 of the DYNC1H1 gene. It does not directly change the encoded amino acid sequence of the DYNC1H1 protein. It affects a nucleotide within the consensus splice site. This variant is present in population databases (rs777017923, gnomAD 0.0009%). This variant has not been reported in the literature in individuals affected with DYNC1H1-related conditions. ClinVar contains an entry for this variant (Variation ID: 1471633). Variants that disrupt the consensus splice site are a relatively common cause of aberrant splicing (PMID: 17576681, 9536098). Algorithms developed to predict the effect of sequence changes on RNA splicing suggest that this variant is not likely to affect RNA splicing. In summary, the available evidence is currently insufficient to determine the role of this variant in disease. Therefore, it has been classified as a Variant of Uncertain Significance.

Ambry Genetics
Classification: Uncertain significance for Inborn genetic diseases. Last evaluated: 2020-08-29. Review status: criteria provided, single submitter. Criteria: Ambry Variant Classification Scheme 2023. Collection method: clinical testing. Allele origin: germline.
Comment: The c.6618+5C>T intronic variant results from a C to T substitution 5 nucleotides after coding exon 32 in the DYNC1H1 gene. This nucleotide position is not well conserved in available vertebrate species. In silico splice site analysis predicts that this alteration will not have any significant effect on splicing. Since supporting evidence is limited at this time, the clinical significance of this alteration remains unclear.

Literature cited by the submitters: PubMed 17576681 (cited by Labcorp Genetics (formerly Invitae), Labcorp); PubMed 9536098 (cited by Labcorp Genetics (formerly Invitae), Labcorp).

NM_001376.5(DYNC1H1):c.6618+5C>T

Gene: DYNC1H1 (dynein cytoplasmic 1 heavy chain 1; plus strand). Cytogenetic location: 14q32.31.
Variant type: single nucleotide variant.
Coding change: c.6618+5C>T on transcript NM_001376.5 (MANE Select); 5 bases into the intron after coding-DNA position 6618, C replaced by T.
Molecular consequence: intron variant.
Genome position (GRCh38, 1-based): chr14:102,010,957, C>T. VCF-style: chr14-102010957-C-T. GRCh37 (hg19) VCF-style: chr14-102477294-C-T.
Identifiers: ClinVar variation 1471633 (VCV001471633.8), dbSNP rs777017923, ClinGen allele CA7352641.